The following is an entry in ClinVar:

ClinVar aggregate classification (germline): Uncertain significance (1 of 4 stars; one submission).

gnomAD v4.1: 49 of 1,614,116 alleles (0.003%); highest among the groups gnomAD compares: Middle Eastern, 0.017%; no homozygotes.

Submission:

GeneDx
Classification: Uncertain significance. Last evaluated: 2024-04-02. Review status: criteria provided, single submitter. Criteria: GeneDx Variant Classification Process June 2021. Collection method: clinical testing. Allele origin: germline. Affected: yes.
Comment: In silico analysis supports that this missense variant has a deleterious effect on protein structure/function; Has not been previously published as pathogenic or benign to our knowledge

NM_007118.4(TRIO):c.8228C>T (p.Thr2743Met)

Genes: TRIO (trio Rho guanine nucleotide exchange factor; plus strand), LOC126807323 (CDK7 strongly-dependent group 2 enhancer GRCh37_chr5:14497716-14498915; plus strand). Cytogenetic location: 5p15.2.
Variant type: single nucleotide variant.
Coding change: c.8228C>T on transcript NM_007118.4 (MANE Select); coding-DNA position 8228, C replaced by T.
Protein change: p.Thr2743Met; replaces threonine 2743 with methionine.
Molecular consequence: missense variant. On other transcripts: non-coding transcript variant (1).
Genome position (GRCh38, 1-based): chr5:14,498,536, C>T. VCF-style: chr5-14498536-C-T. GRCh37 (hg19) VCF-style: chr5-14498645-C-T.
Other names: short protein forms T2743M.
Identifiers: ClinVar variation 3361551 (VCV003361551.1).